The following is an entry in ClinVar:

ClinVar aggregate classification (germline): Conflicting classifications of pathogenicity. Review status: criteria provided, conflicting classifications (1 of 4 stars). 7 submissions from 5 submitters: Uncertain significance (4); Likely benign (2). 1 of the submissions does not count toward it. Last evaluated 2025-09-23.

Conditions:
Pyropoikilocytosis, hereditary. Also called: Pyropoikilocytosis. Identifiers: MedGen C0520739, MONDO:0009948, OMIM 266140, HP:0004839. Disease mechanism: loss of function.
Elliptocytosis 2 (EL2). Also called: ELLIPTOCYTOSIS, RHESUS-UNLINKED TYPE. Identifiers: Orphanet 288, MedGen C1851741, MONDO:0007533, OMIM 130600.
Hereditary spherocytosis type 3. Also called: Spherocytosis type 3; SPTA1-Related Spherocytosis. Identifiers: Orphanet 822, MedGen C2678338, MONDO:0010053, OMIM 270970.
SPTA1-related disorder. Also called: SPTA1-related condition; SPTA1-related disorders.

Allele frequency attached by ClinVar (database versions not stated): ExAC 0.00034; ESP Exome Variant Server 0.00034; gnomAD 0.00034 and 0.00037; gnomAD exomes 0.00037 and 0.00074; TOPMed 0.00042.
gnomAD v4.1: 1,112 of 1,613,514 alleles (0.069%); highest among the groups gnomAD compares: Non-Finnish European, 0.087%; 1 homozygote.

Submissions (7):

Labcorp Genetics (formerly Invitae), Labcorp
Classification: Likely benign. Last evaluated: 2025-09-23. Review status: criteria provided, single submitter. Criteria: Invitae Variant Classification Sherloc (09022015). Collection method: clinical testing. Allele origin: germline.

Revvity Omics, Revvity
Classification: Uncertain significance. Last evaluated: 2024-04-16. Review status: criteria provided, single submitter. Criteria: ACMG Guidelines, 2015. Collection method: clinical testing. Allele origin: germline.

ARUP Laboratories, Molecular Genetics and Genomics, ARUP Laboratories
Classification: Likely benign. Last evaluated: 2023-02-28. Review status: criteria provided, single submitter. Criteria: ARUP Molecular Germline Variant Investigation Process 2024. Collection method: clinical testing. Allele origin: germline.

Illumina Laboratory Services, Illumina
Classification: Uncertain significance for Pyropoikilocytosis, hereditary. Last evaluated: 2018-01-13. Review status: criteria provided, single submitter. Criteria: ICSL Variant Classification Criteria 13 December 2019. Collection method: clinical testing. Allele origin: germline.

Illumina Laboratory Services, Illumina
Classification: Uncertain significance for Elliptocytosis 2. Last evaluated: 2018-01-13. Review status: criteria provided, single submitter. Criteria: ICSL Variant Classification Criteria 13 December 2019. Collection method: clinical testing. Allele origin: germline.

Illumina Laboratory Services, Illumina
Classification: Uncertain significance for Hereditary spherocytosis type 3. Last evaluated: 2018-01-13. Review status: criteria provided, single submitter. Criteria: ICSL Variant Classification Criteria 13 December 2019. Collection method: clinical testing. Allele origin: germline.

PreventionGenetics, part of Exact Sciences
Classification: Likely benign for SPTA1-related condition. Last evaluated: 2019-03-06. Review status: no assertion criteria provided. Collection method: clinical testing. Allele origin: germline. Not counted in ClinVar's aggregate classification.
Comment: This variant is classified as likely benign based on ACMG/AMP sequence variant interpretation guidelines (Richards et al. 2015 PMID: 25741868, with internal and published modifications).

NM_003126.4(SPTA1):c.1351-4A>G

Gene: SPTA1 (spectrin alpha, erythrocytic 1; minus strand). Cytogenetic location: 1q23.1.
Variant type: single nucleotide variant.
Coding change: c.1351-4A>G on transcript NM_003126.4 (MANE Select); 4 bases into the intron before coding-DNA position 1351, A replaced by G.
Molecular consequence: intron variant.
Genome position (GRCh38, 1-based): chr1:158,672,200, T>C on the plus strand (A>G on the coding strand, the complement: SPTA1 is on the minus strand). VCF-style: chr1-158672200-T-C. GRCh37 (hg19) VCF-style: chr1-158641990-T-C.
Identifiers: ClinVar variation 777561 (VCV000777561.15), dbSNP rs200868774, ClinGen allele CA1183795.